The following is an entry in ClinVar:

NM_207361.6(FREM2):c.7652G>C (p.Gly2551Ala)

Gene: FREM2 (FRAS1 related extracellular matrix 2; plus strand). Cytogenetic location: 13q13.3.
Variant type: single nucleotide variant.
Coding change: c.7652G>C on transcript NM_207361.6 (MANE Select); coding-DNA position 7652, G replaced by C.
Protein change: p.Gly2551Ala; replaces glycine 2551 with alanine.
Molecular consequence: missense variant.
Genome position (GRCh38, 1-based): chr13:38,864,275, G>C. VCF-style: chr13-38864275-G-C. GRCh37 (hg19) VCF-style: chr13-39438412-G-C.
Other names: c.7652G>C (NM_207361.5); short protein forms G2551A.
Identifiers: ClinVar variation 1946884 (VCV001946884.3), dbSNP rs868715177, ClinGen allele CA248302641.

ClinVar aggregate classification (germline): Uncertain significance. Review status: criteria provided, single submitter (1 of 4 stars). 2 submissions from 2 submitters: Uncertain significance (1). 1 of the submissions does not count toward it. Last evaluated 2022-09-07.

Conditions:
FREM2-related disorder. Also called: FREM2-related condition.

gnomAD v4.1: 5 of 1,610,294 alleles (0.00031%); highest among the groups gnomAD compares: Middle Eastern, 0.05%; no homozygotes.

Submissions (2):

Labcorp Genetics (formerly Invitae), Labcorp
Classification: Uncertain significance. Last evaluated: 2022-09-07. Review status: criteria provided, single submitter. Criteria: Invitae Variant Classification Sherloc (09022015). Collection method: clinical testing. Allele origin: germline.
Comment: This sequence change replaces glycine, which is neutral and non-polar, with alanine, which is neutral and non-polar, at codon 2551 of the FREM2 protein (p.Gly2551Ala). This variant is not present in population databases (gnomAD no frequency). This variant has not been reported in the literature in individuals affected with FREM2-related conditions. Algorithms developed to predict the effect of missense changes on protein structure and function are either unavailable or do not agree on the potential impact of this missense change (SIFT: "Deleterious"; PolyPhen-2: "Probably Damaging"; Align-GVGD: "Class C0"). In summary, the available evidence is currently insufficient to determine the role of this variant in disease. Therefore, it has been classified as a Variant of Uncertain Significance.

PreventionGenetics, part of Exact Sciences
Classification: Uncertain significance for FREM2-related condition. Last evaluated: 2024-09-16. Review status: no assertion criteria provided. Collection method: clinical testing. Allele origin: germline. Not counted in ClinVar's aggregate classification.
Comment: The FREM2 c.7652G>C variant is predicted to result in the amino acid substitution p.Gly2551Ala. To our knowledge, this variant has not been reported in the literature or in a large population database, indicating this variant is rare. At this time, the clinical significance of this variant is uncertain due to the absence of conclusive functional and genetic evidence.